The following is an entry in ClinVar:

NM_002691.4(POLD1):c.1277dup (p.Leu427fs)

Gene: POLD1 (DNA polymerase delta 1, catalytic subunit; plus strand). Cytogenetic location: 19q13.33.
Variant type: Duplication.
Coding change: c.1277dup on transcript NM_002691.4 (MANE Select); coding-DNA position 1277, one base duplicated (G; older notation c.1277dupG).
Protein change: p.Leu427fs; shifts the reading frame from leucine 427.
Molecular consequence: frameshift variant. On other transcripts: non-coding transcript variant (1).
Genome position (GRCh38, 1-based): chr19:50,406,216, G duplicated; the last of 2 consecutive G bases (chr19:50,406,215-50,406,216); duplicating either gives the same sequence. VCF-style (leftmost placement, unchanged base first): chr19-50406214-C-CG. GRCh37 (hg19) VCF-style: chr19-50909471-C-CG.
Other names: c.1277dup, p.Leu427fs (NM_001256849.1, NM_001308632.1); short protein forms L427fs.
Identifiers: ClinVar variation 3727288 (VCV003727288.2).
Genomic context (GRCh38, chr19:50,406,214, plus strand): 5'-TGCTGCACACCCTGCCTCTCCTCCTCAGGTACAAACATTCCCTTTCCTGGGCCGTGTGGC[C>CG]GGCCTTTGCTCCAACATCCGGGACTCTTCATTCCAGTCCAAGCAGACGGGCCGGCGGGAC-3'

ClinVar aggregate classification (germline): Uncertain significance (1 of 4 stars; one submission).

Conditions:
POLD1-related polyposis and colorectal cancer syndrome (CRCS10). Also called: Colorectal cancer 10; COLORECTAL CANCER, SUSCEPTIBILITY TO, ON CHROMOSOME 19q; Colorectal cancer, susceptibility to, 10. Identifiers: Orphanet 220460, MedGen C2675481, MONDO:0012953, OMIM 612591.

Submission:

Labcorp Genetics (formerly Invitae), Labcorp
Classification: Uncertain significance for POLD1-related polyposis and colorectal cancer syndrome. Last evaluated: 2024-12-15. Review status: criteria provided, single submitter. Criteria: Invitae Variant Classification Sherloc (09022015). Collection method: clinical testing. Allele origin: germline.
Comment: This sequence change creates a premature translational stop signal (p.Leu427Profs*208) in the POLD1 gene. Missense variants that disrupt the 3'-5' exonuclease (proof-reading) activity of the POLD1 protein are associated with PPAP (polymerase proofreading–associated polyposis) (PMID: 23263490, 23447401). However, loss-of-function variants that result in an absent or severely disrupted POLD1 protein, and missense variants outside the exonuclease domain, are unlikely to be associated with PPAP. This variant is not present in population databases (gnomAD no frequency). This variant has not been reported in the literature in individuals affected with POLD1-related conditions. In summary, the available evidence is currently insufficient to determine the role of this variant in disease. Therefore, it has been classified as a Variant of Uncertain Significance.

Literature cited by the submitters: PubMed 23263490; PubMed 23447401.